The following is an entry in ClinVar:

ClinVar aggregate classification (germline): Conflicting classifications of pathogenicity. Review status: criteria provided, conflicting classifications (1 of 4 stars). 2 submissions from 2 submitters: Uncertain significance (1); Likely benign (1). Last evaluated 2023-08-06.

Conditions:
Hereditary sensory neuropathy-deafness-dementia syndrome. Also called: NEUROPATHY, HEREDITARY SENSORY, WITH HEARING LOSS AND DEMENTIA; Hereditary Sensory and Autonomic Neuropathy Type 1E (HSAN1E); HSN IE; Hereditary sensory neuropathy type IE. Identifiers: Orphanet 456318, MedGen C3279885, MONDO:0013584, OMIM 614116.

Allele frequency attached by ClinVar (database versions not stated): gnomAD exomes below 0.00001.
gnomAD v4.1: 8 of 1,614,188 alleles (0.0005%); highest among the groups gnomAD compares: Middle Eastern, 0.066%; no homozygotes.

Submissions (3):

Labcorp Genetics (formerly Invitae), Labcorp
Classification: Uncertain significance for Hereditary sensory neuropathy-deafness-dementia syndrome. Last evaluated: 2023-08-06. Review status: criteria provided, single submitter. Criteria: Invitae Variant Classification Sherloc (09022015). Collection method: clinical testing. Allele origin: germline.
Comment: ClinVar contains an entry for this variant (Variation ID: 2174399). In summary, the available evidence is currently insufficient to determine the role of this variant in disease. Therefore, it has been classified as a Variant of Uncertain Significance. Algorithms developed to predict the effect of sequence changes on RNA splicing suggest that this variant may create or strengthen a splice site. This variant has not been reported in the literature in individuals affected with DNMT1-related conditions. This variant is not present in population databases (gnomAD no frequency). This sequence change affects codon 550 of the DNMT1 mRNA. It is a 'silent' change, meaning that it does not change the encoded amino acid sequence of the DNMT1 protein.

Blueprint Genetics
Classification: Likely benign. Last evaluated: 2022-09-08. Review status: criteria provided, single submitter. Criteria: ACMG Guidelines, 2015. Collection method: clinical testing. Allele origin: germline.

Dr. Peter K. Rogan Lab, Western University
No classification provided (evidence only). Condition: Gastric cancer. Review status: no classification provided. Collection method: in vitro. Allele origin: not applicable. Functional consequence: retained intron. Not counted in ClinVar's aggregate classification.

NM_001130823.3(DNMT1):c.1650G>A (p.Thr550=)

Gene: DNMT1 (DNA methyltransferase 1; minus strand). Cytogenetic location: 19p13.2.
Variant type: single nucleotide variant.
Coding change: c.1650G>A on transcript NM_001130823.3 (MANE Select); coding-DNA position 1650, G replaced by A.
Protein change: p.Thr550=; no amino-acid change (threonine 550 retained).
Molecular consequence: synonymous variant.
Genome position (GRCh38, 1-based): chr19:10,154,768, C>T on the plus strand (G>A on the coding strand, the complement: DNMT1 is on the minus strand). VCF-style: chr19-10154768-C-T. GRCh37 (hg19) VCF-style: chr19-10265444-C-T.
Other names: c.1602G>A, p.Thr534= (NM_001318730.2, NM_001379.4); c.1287G>A, p.Thr429= (NM_001318731.2).
Identifiers: ClinVar variation 2174399 (VCV002174399.6), dbSNP rs2038423011, ClinGen allele CA505467668.
Genomic context (GRCh38, chr19:10,154,768, plus strand): 5'-CGCGTGTCGCAGGAGGGAGTCCTCTGTGAAGCGGTTCAAGTTGAGGCCAGAAGGAGGAAC[C>T]GTGGTCTTGAAAGAGAACAGGTTTCTCTCATGCTTAAGCCAAACTGGCCTAAATCCAACT-3'
Protein context (NP_001124295.1, residues 540-560): YEDLINKIET[Thr550=]VPPSGLNLNR